The following is an entry in ClinVar:

NM_001040142.2(SCN2A):c.1759A>C (p.Ile587Leu)

Gene: SCN2A (sodium voltage-gated channel alpha subunit 2; plus strand). Cytogenetic location: 2q24.3.
Variant type: single nucleotide variant.
Coding change: c.1759A>C on transcript NM_001040142.2 (MANE Select); coding-DNA position 1759, A replaced by C.
Protein change: p.Ile587Leu; replaces isoleucine 587 with leucine.
Molecular consequence: missense variant.
Genome position (GRCh38, 1-based): chr2:165,323,243, A>C. VCF-style: chr2-165323243-A-C. GRCh37 (hg19) VCF-style: chr2-166179753-A-C.
Other names: p.I587L:ATT>CTT; c.1759A>C, p.Ile587Leu (NM_001040143.2, NM_001371246.1, NM_001371247.1 and 1 more transcripts); short protein forms I587L.
Identifiers: ClinVar variation 207064 (VCV000207064.56), dbSNP rs148275498, ClinGen allele CA318144.

ClinVar aggregate classification (germline): Conflicting classifications of pathogenicity. Review status: criteria provided, conflicting classifications (1 of 4 stars). 6 submissions from 6 submitters: Uncertain significance (2); Likely benign (4). Last evaluated 2026-02-02.

Conditions:
Inborn genetic diseases. Identifiers: MedGen C0950123, MeSH D030342.
Developmental and epileptic encephalopathy, 11 (DEE11). Also called: Early infantile epileptic encephalopathy 11. Identifiers: Orphanet 1934, MedGen C3150987, MONDO:0013388, OMIM 613721.
Seizures, benign familial infantile, 3 (BFIS3). Also called: CONVULSIONS, BENIGN FAMILIAL INFANTILE, 3; Familial neonatal seizures. Identifiers: Orphanet 140927, Orphanet 306, MedGen C1843140, MONDO:0011904, OMIM 607745.

Allele frequency attached by ClinVar (database versions not stated): ExAC 0.00006; TOPMed 0.00006; gnomAD 0.00010; ESP Exome Variant Server 0.00023; gnomAD exomes 0.00004.
gnomAD v4.1: 173 of 1,614,074 alleles (0.011%); highest among the groups gnomAD compares: Non-Finnish European, 0.013%; no homozygotes.

Submissions (6):

Labcorp Genetics (formerly Invitae), Labcorp
Classification: Uncertain significance for Seizures, benign familial infantile, 3; Developmental and epileptic encephalopathy, 11. Last evaluated: 2026-02-02. Review status: criteria provided, single submitter. Criteria: Invitae Variant Classification Sherloc (09022015). Collection method: clinical testing. Allele origin: germline.
Comment: This sequence change replaces isoleucine, which is neutral and non-polar, with leucine, which is neutral and non-polar, at codon 587 of the SCN2A protein (p.Ile587Leu). This variant is present in population databases (rs148275498, gnomAD 0.01%). This variant has not been reported in the literature in individuals affected with SCN2A-related conditions. ClinVar contains an entry for this variant (Variation ID: 207064). Invitae Evidence Modeling of protein sequence and biophysical properties (such as structural, functional, and spatial information, amino acid conservation, physicochemical variation, residue mobility, and thermodynamic stability) indicates that this missense variant is not expected to disrupt SCN2A protein function with a negative predictive value of 95%. In summary, the available evidence is currently insufficient to determine the role of this variant in disease. Therefore, it has been classified as a Variant of Uncertain Significance.

Ambry Genetics
Classification: Likely benign for Inborn genetic diseases. Last evaluated: 2025-09-03. Review status: criteria provided, single submitter. Criteria: Ambry Variant Classification Scheme 2023. Collection method: clinical testing. Allele origin: germline.

CeGaT Center for Human Genetics Tuebingen
Classification: Likely benign. Last evaluated: 2021-06-01. Review status: criteria provided, single submitter. Criteria: CeGaT Center For Human Genetics Tuebingen Variant Classification Criteria Version 2. Collection method: clinical testing. Allele origin: germline. Affected: yes. Observed: 1 variant allele.

GeneDx
Classification: Likely benign. Last evaluated: 2021-05-06. Review status: criteria provided, single submitter. Criteria: GeneDx Variant Classification Process June 2021. Collection method: clinical testing. Allele origin: germline. Affected: yes.
Comment: In silico analysis supports that this missense variant does not alter protein structure/function; Has not been previously published as pathogenic or benign to our knowledge; This substitution is predicted to be in the cytoplasmic loop between the first and second homologous domains

Genetic Services Laboratory, University of Chicago
Classification: Uncertain significance. Last evaluated: 2019-11-14. Review status: criteria provided, single submitter. Criteria: ACMG Guidelines, 2015. Collection method: clinical testing. Allele origin: germline. Affected: no.

Illumina Laboratory Services, Illumina
Classification: Likely benign for Seizures, benign familial infantile, 3. Last evaluated: 2018-01-13. Review status: criteria provided, single submitter. Criteria: ICSL Variant Classification Criteria 13 December 2019. Collection method: clinical testing. Allele origin: germline.
Comment: This variant was observed in the ICSL laboratory as part of a predisposition screen in an ostensibly healthy population. It had not been previously curated by ICSL or reported in the Human Gene Mutation Database (HGMD: prior to June 1st, 2018), and was therefore a candidate for classification through an automated scoring system. Utilizing variant allele frequency, disease prevalence and penetrance estimates, and inheritance mode, an automated score was calculated to assess if this variant is too frequent to cause the disease. Based on the score and internal cut-off values, a variant classified as likely benign is not then subjected to further curation. The score for this variant resulted in a classification of likely benign for this disease.